The following is an entry in ClinVar:

ClinVar aggregate classification (germline): Uncertain significance (1 of 4 stars; one submission).

Conditions:
Inborn genetic diseases. Identifiers: MedGen C0950123, MeSH D030342.

gnomAD v4.1: 37 of 1,368,034 alleles (0.0027%); highest among the groups gnomAD compares: Non-Finnish European, 0.0035%; no homozygotes.

Submission:

Ambry Genetics
Classification: Uncertain significance for Inborn genetic diseases. Last evaluated: 2020-07-24. Review status: criteria provided, single submitter. Criteria: Ambry Variant Classification Scheme 2023. Collection method: clinical testing. Allele origin: germline.
Comment: The c.-3G>A variant is located in the 5' untranslated region (5&rsquo; UTR) of the NRXN1 gene. This variant results from a G to A substitution 3 bases upstream from the first translated codon. This nucleotide position is well conserved in available vertebrate species. Since supporting evidence is limited at this time, the clinical significance of this alteration remains unclear.

Literature cited by the submitters: PubMed 24064682.

NM_001330078.2(NRXN1):c.3365-109982G>A

Gene: NRXN1 (neurexin 1; minus strand). Cytogenetic location: 2p16.3.
Variant type: single nucleotide variant.
Coding change: c.3365-109982G>A on transcript NM_001330078.2 (MANE Select); 109982 bases into the intron before coding-DNA position 3365, G replaced by A.
Molecular consequence: intron variant. On other transcripts: 5 prime UTR variant (4).
Genome position (GRCh38, 1-based): chr2:50,346,952, C>T on the plus strand (G>A on the coding strand, the complement: NRXN1 is on the minus strand). VCF-style: chr2-50346952-C-T. GRCh37 (hg19) VCF-style: chr2-50574090-C-T.
Other names: c.-3G>A (NM_001330091.2, NM_001330092.2, NM_001330097.2 and 1 more transcripts); c.3254-109982G>A (NM_001330096.2, NM_001330087.2); c.3299-109982G>A (NM_001330083.2, NM_001330084.2); c.3284-109982G>A (NM_001330088.2); c.3362-109982G>A (NM_001330093.2); c.3353-109982G>A (NM_001330094.2); c.3314-109982G>A (NM_001330095.2); c.3341-109982G>A (NM_001330082.2, NM_001330077.2); and 3 more.
Identifiers: ClinVar variation 1736904 (VCV001736904.2), dbSNP rs981977916, ClinGen allele CA532632169.
Genomic context (GRCh38, chr2:50,346,952, plus strand): 5'-CGCCGCCGCCCCCGGGCGAGCCCAGCTCGGCGCCGCACCGGAGCATCCTCTGGTACATGG[C>T]GGGGCGCCCGCCGAGGGGCAGCCGCCGCGGGAGGCAAAGTTTGGGGCGCGGGGAGAGGAG-3'